The following is an entry in ClinVar:

NM_001042492.3(NF1):c.4703dup (p.Phe1569fs)

Gene: NF1 (neurofibromin 1; plus strand). Cytogenetic location: 17q11.2.
Variant type: Duplication.
Coding change: c.4703dup on transcript NM_001042492.3 (MANE Select); coding-DNA position 4703, one base duplicated (A; older notation c.4703dupA).
Protein change: p.Phe1569fs; shifts the reading frame from phenylalanine 1569.
Molecular consequence: frameshift variant.
Genome position (GRCh38, 1-based): chr17:31,261,836, A duplicated; the last of 3 consecutive A bases (chr17:31,261,834-31,261,836); duplicating any one gives the same sequence. VCF-style (leftmost placement, unchanged base first): chr17-31261833-C-CA. GRCh37 (hg19) VCF-style: chr17-29588851-C-CA.
Other names: c.4640dupA (NM_000267.3); c.4640dup, p.Phe1548Valfs (NM_000267.4); short protein forms F1569fs, F1548fs.
Identifiers: ClinVar variation 576754 (VCV000576754.5), dbSNP rs1555619052, ClinGen allele CA891843829.

ClinVar aggregate classification (germline): Pathogenic (1 of 4 stars; one submission).

Conditions:
Neurofibromatosis, type 1 (NF1). Also called: Peripheral type neurofibromatosis; Neurofibromatosis, type I; VON RECKLINGHAUSEN DISEASE; NEUROFIBROMATOSIS, TYPE I, SOMATIC. Identifiers: Orphanet 636, MedGen C0027831, MONDO:0018975, OMIM 162200. Disease mechanism: loss of function.

Submission:

Labcorp Genetics (formerly Invitae), Labcorp
Classification: Pathogenic for Neurofibromatosis, type 1. Last evaluated: 2018-06-18. Review status: criteria provided, single submitter. Criteria: Invitae Variant Classification Sherloc (09022015). Collection method: clinical testing. Allele origin: germline.
Comment: For these reasons, this variant has been classified as Pathogenic. Loss-of-function variants in NF1 are known to be pathogenic (PMID: 10712197, 23913538). A different variant (c.4637dup) giving rise to the same protein effect observed here (p.Phe1548Valfs*2) has been reported in an individual affected with neurofibromatosis type-1 and recurring giant cell lesion of maxilla and mandible (PMID: 24232412). This variant has not been reported in the literature in individuals with NF1-related disease. This variant is not present in population databases (ExAC no frequency). This sequence change creates a premature translational stop signal (p.Phe1548Valfs*2) in the NF1 gene. It is expected to result in an absent or disrupted protein product.

Literature cited by the submitters: PubMed 10712197; PubMed 23913538; PubMed 24232412.